The following is an entry in ClinVar:

NM_033056.4(PCDH15):c.4905G>T (p.Glu1635Asp)

Gene: PCDH15 (protocadherin related 15; minus strand). Cytogenetic location: 10q21.1.
Variant type: single nucleotide variant.
Coding change: c.4905G>T on transcript NM_033056.4 (MANE Plus Clinical); coding-DNA position 4905, G replaced by T.
Protein change: p.Glu1635Asp; replaces glutamic acid 1635 with aspartic acid.
Molecular consequence: missense variant. On other transcripts: intron variant (8).
Genome position (GRCh38, 1-based): chr10:53,822,821, C>A on the plus strand (G>T on the coding strand, the complement: PCDH15 is on the minus strand). VCF-style: chr10-53822821-C-A. GRCh37 (hg19) VCF-style: chr10-55582581-C-A.
Other names: c.4388+4572G>T (NM_001354411.2); c.4409+2315G>T (NM_001142769.3); c.4896G>T, p.Glu1632Asp (NM_001142766.2); c.4785G>T, p.Glu1595Asp (NM_001142767.2); c.4845G>T, p.Glu1615Asp (NM_001142768.2); c.4836G>T, p.Glu1612Asp (NM_001142773.2); c.4839G>T, p.Glu1613Asp (NM_001354404.2); c.4367+4572G>T (NM_001354420.2, NM_001354429.2); and 6 more; short protein forms E1595D, E1612D, E1613D, E1615D, E1632D, E1635D, E1637D, E1566D.
Identifiers: ClinVar variation 1419712 (VCV001419712.5), dbSNP rs760232069, ClinGen allele CA376526310.
Genomic context (GRCh38, chr10:53,822,821, plus strand): 5'-AGATTTCAACTGTTCTGTTCCTTCTATCATCAGTGTTTCACCTTGCCTTATTTCCTCTTT[C>A]TCTGTCAAATTTGCCTCTTCAGTTGTAAGCAATGGATTGCTGCTACCTCTTTTGTTTGTA-3'
Protein context (NP_149045.3, residues 1625-1645): LLTTEEANLT[Glu1635Asp]KEEIRQGETL

ClinVar aggregate classification (germline): Uncertain significance (1 of 4 stars; one submission).

Submission:

Labcorp Genetics (formerly Invitae), Labcorp
Classification: Uncertain significance. Last evaluated: 2022-10-05. Review status: criteria provided, single submitter. Criteria: Invitae Variant Classification Sherloc (09022015). Collection method: clinical testing. Allele origin: germline.
Comment: This sequence change replaces glutamic acid, which is acidic and polar, with aspartic acid, which is acidic and polar, at codon 1635 of the PCDH15 protein (p.Glu1635Asp). This variant is not present in population databases (gnomAD no frequency). This variant has not been reported in the literature in individuals affected with PCDH15-related conditions. ClinVar contains an entry for this variant (Variation ID: 1419712). Algorithms developed to predict the effect of missense changes on protein structure and function (SIFT, PolyPhen-2, Align-GVGD) all suggest that this variant is likely to be tolerated. In summary, the available evidence is currently insufficient to determine the role of this variant in disease. Therefore, it has been classified as a Variant of Uncertain Significance.